The following is an entry in ClinVar:

NM_022336.4(EDAR):c.*1133C>T

Genes: EDAR (ectodysplasin A receptor; minus strand), RANBP2 (RAN binding protein 2; plus strand). Cytogenetic location: 2q13.
Variant type: single nucleotide variant.
Coding change: c.*1133C>T on transcript NM_022336.4 (MANE Select); 1133 bases downstream of the stop codon, C replaced by T.
Molecular consequence: 3 prime UTR variant.
Genome position (GRCh38, 1-based): chr2:108,895,774, G>A on the plus strand (C>T on the coding strand, the complement: EDAR is on the minus strand). VCF-style: chr2-108895774-G-A. GRCh37 (hg19) VCF-style: chr2-109512230-G-A.
Identifiers: ClinVar variation 894097 (VCV000894097.5), dbSNP rs114097029, ClinGen allele CA53463640.

ClinVar aggregate classification (germline): Benign. Review status: criteria provided, multiple submitters, no conflicts (2 of 4 stars). 2 submissions from 2 submitters: Benign (2). Last evaluated 2018-01-13.

Conditions:
Hypohidrotic ectodermal dysplasia (HED). Identifiers: Orphanet 238468, MedGen C5848103, MONDO:0016535, HP:0007607.

Allele frequency attached by ClinVar (database versions not stated): 1000 Genomes Project 30x 0.02405; gnomAD 0.03003 and 0.03093; 1000 Genomes Project 0.02456; TOPMed 0.03112.

Submissions (2):

Illumina Laboratory Services, Illumina
Classification: Benign for Hypohidrotic ectodermal dysplasia. Last evaluated: 2018-01-13. Review status: criteria provided, single submitter. Criteria: ICSL Variant Classification Criteria 13 December 2019. Collection method: clinical testing. Allele origin: germline.
Comment: This variant was observed in the ICSL laboratory as part of a predisposition screen in an ostensibly healthy population. It had not been previously curated by ICSL or reported in the Human Gene Mutation Database (HGMD: prior to June 1st, 2018), and was therefore a candidate for classification through an automated scoring system. Utilizing variant allele frequency, disease prevalence and penetrance estimates, and inheritance mode, an automated score was calculated to assess if this variant is too frequent to cause the disease. Based on the score and internal cut-off values, a variant classified as benign is not then subjected to further curation. The score for this variant resulted in a classification of benign for this disease.

Breakthrough Genomics
Classification: Benign. Review status: criteria provided, single submitter. Criteria: ACMG Guidelines, 2015. Collection method: not provided. Allele origin: germline. Inheritance: Autosomal recessive inheritance. Affected: yes.